The following is an entry in ClinVar:

NM_001379500.1(COL18A1):c.3811C>T (p.Pro1271Ser)

Genes: COL18A1 (collagen type XVIII alpha 1 chain; plus strand), SLC19A1 (solute carrier family 19 member 1; minus strand). Cytogenetic location: 21q22.3.
Variant type: single nucleotide variant.
Coding change: c.3811C>T on transcript NM_001379500.1 (MANE Select); coding-DNA position 3811, C replaced by T.
Protein change: p.Pro1271Ser; replaces proline 1271 with serine.
Molecular consequence: missense variant.
Genome position (GRCh38, 1-based): chr21:45,512,189, C>T. VCF-style: chr21-45512189-C-T. GRCh37 (hg19) VCF-style: chr21-46932103-C-T.
Other names: c.4342C>T, p.Pro1448Ser (NM_030582.4); c.5047C>T, p.Pro1683Ser (NM_130444.3); short protein forms P1271S, P1448S, P1683S.
Identifiers: ClinVar variation 2633976 (VCV002633976.1), dbSNP rs1028994682, ClinGen allele CA321927221.

ClinVar aggregate classification (germline): Uncertain significance (1 of 4 stars; one submission).

Conditions:
COL18A1-related disorder. Also called: COL18A1-related disorders; COL18A1-related condition.

Allele frequency attached by ClinVar (database versions not stated): TOPMed below 0.00001; gnomAD exomes 0.00001.
gnomAD v4.1: 12 of 1,611,808 alleles (0.00074%); highest among the groups gnomAD compares: South Asian, 0.0011%; no homozygotes.

Submission:

PreventionGenetics, part of Exact Sciences
Classification: Uncertain significance for COL18A1-related condition. Last evaluated: 2023-10-04. Review status: criteria provided, single submitter. Criteria: ACMG Guidelines, 2015. Collection method: clinical testing. Allele origin: germline.
Comment: The COL18A1 c.4342C>T variant is predicted to result in the amino acid substitution p.Pro1448Ser. To our knowledge, this variant has not been reported in the literature or in a large population database, indicating this variant is rare. At this time, the clinical significance of this variant is uncertain due to the absence of conclusive functional and genetic evidence.